The following is an entry in ClinVar:

ClinVar aggregate classification (germline): Uncertain significance (1 of 4 stars; one submission).

gnomAD v4.1: 2 of 1,614,204 alleles (0.00012%); highest among the groups gnomAD compares: Non-Finnish European, 0.00017%; no homozygotes.

Submission:

Labcorp Genetics (formerly Invitae), Labcorp
Classification: Uncertain significance. Last evaluated: 2022-08-19. Review status: criteria provided, single submitter. Criteria: Invitae Variant Classification Sherloc (09022015). Collection method: clinical testing. Allele origin: germline.
Comment: In summary, the available evidence is currently insufficient to determine the role of this variant in disease. Therefore, it has been classified as a Variant of Uncertain Significance. Algorithms developed to predict the effect of missense changes on protein structure and function output the following: SIFT: "Tolerated"; PolyPhen-2: "Benign"; Align-GVGD: "Class C0". The glycine amino acid residue is found in multiple mammalian species, which suggests that this missense change does not adversely affect protein function. This variant has not been reported in the literature in individuals affected with CAD-related conditions. This variant is not present in population databases (gnomAD no frequency). This sequence change replaces tryptophan, which is neutral and slightly polar, with glycine, which is neutral and non-polar, at codon 922 of the CAD protein (p.Trp922Gly).

NM_004341.5(CAD):c.2764T>G (p.Trp922Gly)

Genes: CAD (carbamoyl-phosphate synthetase 2, aspartate transcarbamylase, and dihydroorotase; plus strand), LOC126806171 (BRD4-independent group 4 enhancer GRCh37_chr2:27454350-27455549; plus strand). Cytogenetic location: 2p23.3.
Variant type: single nucleotide variant.
Coding change: c.2764T>G on transcript NM_004341.5 (MANE Select); coding-DNA position 2764, T replaced by G.
Protein change: p.Trp922Gly; replaces tryptophan 922 with glycine.
Molecular consequence: missense variant.
Genome position (GRCh38, 1-based): chr2:27,232,566, T>G. VCF-style: chr2-27232566-T-G. GRCh37 (hg19) VCF-style: chr2-27455434-T-G.
Other names: c.2575T>G, p.Trp859Gly (NM_001306079.2); short protein forms W859G, W922G.
Identifiers: ClinVar variation 1716793 (VCV001716793.6), dbSNP rs2465326993, ClinGen allele CA346212636.